The following is an entry in ClinVar:

ClinVar aggregate classification (germline): Uncertain significance. Review status: criteria provided, multiple submitters, no conflicts (2 of 4 stars). 3 submissions from 3 submitters: Uncertain significance (3). Last evaluated 2025-05-21.

Conditions:
Hereditary nonpolyposis colorectal neoplasms. Identifiers: MedGen C0009405, MeSH D003123.
Hereditary cancer-predisposing syndrome. Also called: Hereditary Cancer Syndrome; Hereditary neoplastic syndrome; Neoplastic Syndromes, Hereditary; Tumor predisposition. Identifiers: Orphanet 140162, MedGen C0027672, MeSH D009386, MONDO:0015356.

Allele frequency attached by ClinVar (database versions not stated): gnomAD exomes below 0.00001; TOPMed below 0.00001.
gnomAD v4.1: 1 of 1,603,210 alleles (0.000062%); highest among the groups gnomAD compares: East Asian, 0.0022%; no homozygotes.

Submissions (3):

Labcorp Genetics (formerly Invitae), Labcorp
Classification: Uncertain significance for Hereditary nonpolyposis colorectal neoplasms. Last evaluated: 2025-05-21. Review status: criteria provided, single submitter. Criteria: Invitae Variant Classification Sherloc (09022015). Collection method: clinical testing. Allele origin: germline.
Comment: This sequence change replaces alanine, which is neutral and non-polar, with valine, which is neutral and non-polar, at codon 389 of the PMS2 protein (p.Ala389Val). This variant is not present in population databases (gnomAD no frequency). This variant has not been reported in the literature in individuals affected with PMS2-related conditions. ClinVar contains an entry for this variant (Variation ID: 455642). Invitae Evidence Modeling incorporating data from in vitro experimental studies (internal data) indicates that this missense variant is not expected to disrupt PMS2 function with a negative predictive value of 95%. In summary, the available evidence is currently insufficient to determine the role of this variant in disease. Therefore, it has been classified as a Variant of Uncertain Significance.

Ambry Genetics
Classification: Uncertain significance for Hereditary cancer-predisposing syndrome. Last evaluated: 2021-08-26. Review status: criteria provided, single submitter. Criteria: Ambry Variant Classification Scheme 2023. Collection method: clinical testing. Allele origin: germline.
Comment: The p.A389V variant (also known as c.1166C>T), located in coding exon 11 of the PMS2 gene, results from a C to T substitution at nucleotide position 1166. The alanine at codon 389 is replaced by valine, an amino acid with similar properties. This amino acid position is poorly conserved in available vertebrate species. In addition, this alteration is predicted to be tolerated by in silico analysis. Since supporting evidence is limited at this time, the clinical significance of this alteration remains unclear.

GeneDx
Classification: Uncertain significance. Last evaluated: 2018-06-29. Review status: criteria provided, single submitter. Criteria: GeneDx Variant Classification Process June 2021. Collection method: clinical testing. Allele origin: germline. Affected: yes.
Comment: Not observed at a significant frequency in large population cohorts (Lek 2016); In silico analysis supports that this missense variant does not alter protein structure/function; Has not been previously published as pathogenic or benign to our knowledge

NM_000535.7(PMS2):c.1166C>T (p.Ala389Val)

Gene: PMS2 (PMS1 homolog 2, mismatch repair system component; minus strand). Cytogenetic location: 7p22.1.
Variant type: single nucleotide variant.
Coding change: c.1166C>T on transcript NM_000535.7 (MANE Select); coding-DNA position 1166, C replaced by T.
Protein change: p.Ala389Val; replaces alanine 389 with valine.
Molecular consequence: missense variant. On other transcripts: non-coding transcript variant (1).
Genome position (GRCh38, 1-based): chr7:5,987,599, G>A on the plus strand (C>T on the coding strand, the complement: PMS2 is on the minus strand). VCF-style: chr7-5987599-G-A. GRCh37 (hg19) VCF-style: chr7-6027230-G-A.
Other names: c.761C>T, p.Ala254Val (NM_001322003.2, NM_001322004.2, NM_001322005.2 and 1 more transcripts); c.1010C>T, p.Ala337Val (NM_001322006.2); c.848C>T, p.Ala283Val (NM_001322007.2, NM_001322008.2); c.605C>T, p.Ala202Val (NM_001322010.2); c.233C>T, p.Ala78Val (NM_001322011.2, NM_001322012.2); c.593C>T, p.Ala198Val (NM_001322013.2); c.1166C>T, p.Ala389Val (NM_001322014.2); c.857C>T, p.Ala286Val (NM_001322015.2); short protein forms A389V, A198V, A78V, A202V, A254V, A283V, A286V, A337V.
Identifiers: ClinVar variation 455642 (VCV000455642.12), dbSNP rs1554298076, ClinGen allele CA366742654.
Genomic context (GRCh38, chr7:5,987,599, plus strand): 5'-CCAGTCCTTAATGAAGGGGATTGATCCTGCTTTTCTACCATGGGCTTTTCCAAATCCGCT[G>A]CATGCATTTTTATTAAGTTACCTAAGCAAACGTGGACGGAGAAGAGGGTCAGGGACTATC-3'
Protein context (NP_000526.2, residues 379-399): DVEGNLIKMH[Ala389Val]ADLEKPMVEK